The following is an entry in ClinVar:

NM_005751.5(AKAP9):c.8702G>C (p.Cys2901Ser)

Gene: AKAP9 (A-kinase anchoring protein 9; plus strand). Cytogenetic location: 7q21.2.
Variant type: single nucleotide variant.
Coding change: c.8702G>C on transcript NM_005751.5 (MANE Select); coding-DNA position 8702, G replaced by C.
Protein change: p.Cys2901Ser; replaces cysteine 2901 with serine.
Molecular consequence: missense variant.
Genome position (GRCh38, 1-based): chr7:92,084,695, G>C. VCF-style: chr7-92084695-G-C. GRCh37 (hg19) VCF-style: chr7-91714009-G-C.
Other names: c.3347G>C, p.Cys1116Ser (NM_001379277.1); c.8678G>C, p.Cys2893Ser (NM_147185.3); short protein forms C1116S, C2893S, C2901S.
Identifiers: ClinVar variation 4805272 (VCV004805272.1).

ClinVar aggregate classification (germline): Uncertain significance (1 of 4 stars; one submission).

Conditions:
Long QT syndrome (LQTS). Identifiers: MedGen C0023976, MeSH D008133, MONDO:0002442. Disease mechanism: loss of function. Inheritance: Various modes of inheritance.

gnomAD v4.1: 2 of 1,609,706 alleles (0.00012%); highest among the groups gnomAD compares: Non-Finnish European, 0.000085%; no homozygotes.

Submission:

Labcorp Genetics (formerly Invitae), Labcorp
Classification: Uncertain significance for Long QT syndrome. Last evaluated: 2025-10-08. Review status: criteria provided, single submitter. Criteria: Invitae Variant Classification Sherloc (09022015). Collection method: clinical testing. Allele origin: germline.
Comment: This sequence change replaces cysteine, which is neutral and slightly polar, with serine, which is neutral and polar, at codon 2901 of the AKAP9 protein (p.Cys2901Ser). This variant is not present in population databases (gnomAD no frequency). This variant has not been reported in the literature in individuals affected with AKAP9-related conditions. An algorithm developed to predict the effect of missense changes on protein structure and function (PolyPhen-2) suggests that this variant is likely to be tolerated. In summary, the available evidence is currently insufficient to determine the role of this variant in disease. Therefore, it has been classified as a Variant of Uncertain Significance.